The following is an entry in ClinVar:

NM_000093.5(COL5A1):c.*424A>G

Genes: COL5A1 (collagen type V alpha 1 chain; plus strand), LOC101448202 (uncharacterized LOC101448202; minus strand). Cytogenetic location: 9q34.3.
Variant type: single nucleotide variant.
Coding change: c.*424A>G on transcript NM_000093.5 (MANE Select); 424 bases downstream of the stop codon, A replaced by G.
Molecular consequence: 3 prime UTR variant.
Genome position (GRCh38, 1-based): chr9:134,842,727, A>G. VCF-style: chr9-134842727-A-G. GRCh37 (hg19) VCF-style: chr9-137734573-A-G.
Other names: c.*424A>G (NM_001278074.1).
Identifiers: ClinVar variation 365751 (VCV000365751.7), dbSNP rs574355137, ClinGen allele CA10633179.

ClinVar aggregate classification (germline): Benign (1 of 4 stars; one submission).

Conditions:
Ehlers-Danlos syndrome, classic type (cEDS). Identifiers: Orphanet 287, MedGen C4225429, MONDO:0007522.

Allele frequency attached by ClinVar (database versions not stated): gnomAD 0.00037 and 0.00041; TOPMed 0.00040; gnomAD exomes 0.00054; 1000 Genomes Project 0.00060; 1000 Genomes Project 30x 0.00062.
gnomAD v4.1: 111 of 237,098 alleles (0.047%); highest among the groups gnomAD compares: South Asian, 0.12%; no homozygotes.

Submission:

Illumina Laboratory Services, Illumina
Classification: Benign for Ehlers-Danlos syndrome, classic type, 1. Last evaluated: 2018-01-12. Review status: criteria provided, single submitter. Criteria: ICSL Variant Classification Criteria 13 December 2019. Collection method: clinical testing. Allele origin: germline.
Comment: This variant was observed in the ICSL laboratory as part of a predisposition screen in an ostensibly healthy population. It had not been previously curated by ICSL or reported in the Human Gene Mutation Database (HGMD: prior to June 1st, 2018), and was therefore a candidate for classification through an automated scoring system. Utilizing variant allele frequency, disease prevalence and penetrance estimates, and inheritance mode, an automated score was calculated to assess if this variant is too frequent to cause the disease. Based on the score and internal cut-off values, a variant classified as benign is not then subjected to further curation. The score for this variant resulted in a classification of benign for this disease.